The following is an entry in ClinVar:

ClinVar aggregate classification (germline): Uncertain significance (1 of 4 stars; one submission).

Conditions:
X-linked intellectual disability Cabezas type (MRXSC). Also called: CABEZAS SYNDROME; MENTAL RETARDATION, X-LINKED, SYNDROMIC 15; Intellectual developmental disorder, X-linked syndromic, Cabezas type. Identifiers: Orphanet 85289, Orphanet 85293, MedGen C1845861, MONDO:0010306, OMIM 300354.

Submission:

Labcorp Genetics (formerly Invitae), Labcorp
Classification: Uncertain significance for X-linked intellectual disability Cabezas type. Last evaluated: 2022-05-03. Review status: criteria provided, single submitter. Criteria: Invitae Variant Classification Sherloc (09022015). Collection method: clinical testing. Allele origin: germline.
Comment: This variant has not been reported in the literature in individuals affected with CUL4B-related conditions. Algorithms developed to predict the effect of missense changes on protein structure and function are either unavailable or do not agree on the potential impact of this missense change (SIFT: "Deleterious"; PolyPhen-2: "Benign"; Align-GVGD: "Class C0"). In summary, the available evidence is currently insufficient to determine the role of this variant in disease. Therefore, it has been classified as a Variant of Uncertain Significance. This variant is not present in population databases (gnomAD no frequency). This sequence change replaces lysine, which is basic and polar, with isoleucine, which is neutral and non-polar, at codon 815 of the CUL4B protein (p.Lys815Ile).

NM_001079872.2(CUL4B):c.2390A>T (p.Lys797Ile)

Gene: CUL4B (cullin 4B; minus strand). Cytogenetic location: Xq24.
Variant type: single nucleotide variant.
Coding change: c.2390A>T on transcript NM_001079872.2 (MANE Select); coding-DNA position 2390, A replaced by T.
Protein change: p.Lys797Ile; replaces lysine 797 with isoleucine.
Molecular consequence: missense variant.
Genome position (GRCh38, 1-based): chrX:120,532,471, T>A on the plus strand (A>T on the coding strand, the complement: CUL4B is on the minus strand). VCF-style: chrX-120532471-T-A. GRCh37 (hg19) VCF-style: chrX-119666326-T-A.
Other names: c.2405A>T, p.Lys802Ile (NM_001330624.2); c.1856A>T, p.Lys619Ile (NM_001369145.1); c.2444A>T, p.Lys815Ile (NM_003588.4); short protein forms K619I, K815I, K797I, K802I.
Identifiers: ClinVar variation 2132785 (VCV002132785.4), dbSNP rs2521056927, ClinGen allele CA414193720.